The following is an entry in ClinVar:

NM_147127.5(EVC2):c.1540C>T (p.Leu514Phe)

Gene: EVC2 (EvC ciliary complex subunit 2; minus strand). Cytogenetic location: 4p16.2.
Variant type: single nucleotide variant.
Coding change: c.1540C>T on transcript NM_147127.5 (MANE Select); coding-DNA position 1540, C replaced by T.
Protein change: p.Leu514Phe; replaces leucine 514 with phenylalanine.
Molecular consequence: missense variant.
Genome position (GRCh38, 1-based): chr4:5,631,963, G>A on the plus strand (C>T on the coding strand, the complement: EVC2 is on the minus strand). VCF-style: chr4-5631963-G-A. GRCh37 (hg19) VCF-style: chr4-5633690-G-A.
Other names: c.1300C>T, p.Leu434Phe (NM_001166136.2); c.1540C>T (NM_147127.4); short protein forms L434F, L514F.
Identifiers: ClinVar variation 2935293 (VCV002935293.5), dbSNP rs757570584, ClinGen allele CA2835016.
Genomic context (GRCh38, chr4:5,631,963, plus strand): 5'-TCTGGAAAACAGCCAGCTGTCTGTGAGCTTTGGCAAAGTCTTCTTCTTGTTGCAAAGCGA[G>A]AGACTTCCTCAAGTGCTCCTGTTCCAGGCCATGGAGGGTCCGCAGAAGGTTGCTGCACTC-3'
Protein context (NP_667338.3, residues 504-524): GLEQEHLRKS[Leu514Phe]ALQQEEDFAK

ClinVar aggregate classification (germline): Conflicting classifications of pathogenicity. Review status: criteria provided, conflicting classifications (1 of 4 stars). 3 submissions from 3 submitters: Likely pathogenic (1); Uncertain significance (2). Last evaluated 2026-06-20.

Conditions:
Curry-Hall syndrome (WAD). Also called: WEYERS ACRODENTAL DYSOSTOSIS. Identifiers: Orphanet 952, MedGen C0457013, MONDO:0008673, OMIM 193530.
Ellis-van Creveld syndrome (EVC). Also called: MESOECTODERMAL DYSPLASIA; Chondroectodermal dysplasia. Identifiers: Orphanet 289, MedGen C0013903, MONDO:0009162, OMIM 225500.

Allele frequency attached by ClinVar (database versions not stated): ExAC 0.00002; gnomAD exomes 0.00001; TOPMed 0.00001.
gnomAD v4.1: 5 of 1,614,232 alleles (0.00031%); highest among the groups gnomAD compares: Admixed American, 0.0083%; no homozygotes.

Submissions (3):

GeneDx
Classification: Likely pathogenic. Last evaluated: 2026-06-20. Review status: criteria provided, single submitter. Criteria: GeneDx Variant Classification Process June 2021. Collection method: clinical testing. Allele origin: germline.
Comment: In silico analysis supports that this missense variant has a deleterious effect on protein structure/function; Has not been previously published as pathogenic or benign to our knowledge

Labcorp Genetics (formerly Invitae), Labcorp
Classification: Uncertain significance for Curry-Hall syndrome; Ellis-van Creveld syndrome. Last evaluated: 2025-09-03. Review status: criteria provided, single submitter. Criteria: Invitae Variant Classification Sherloc (09022015). Collection method: clinical testing. Allele origin: germline.
Comment: This sequence change replaces leucine, which is neutral and non-polar, with phenylalanine, which is neutral and non-polar, at codon 514 of the EVC2 protein (p.Leu514Phe). This variant is present in population databases (rs757570584, gnomAD 0.009%). This variant has not been reported in the literature in individuals affected with EVC2-related conditions. ClinVar contains an entry for this variant (Variation ID: 2935293). An algorithm developed to predict the effect of missense changes on protein structure and function (PolyPhen-2) suggests that this variant is likely to be disruptive. In summary, the available evidence is currently insufficient to determine the role of this variant in disease. Therefore, it has been classified as a Variant of Uncertain Significance.

Women's Health and Genetics/Laboratory Corporation of America, LabCorp
Classification: Uncertain significance. Last evaluated: 2024-10-15. Review status: criteria provided, single submitter. Criteria: LabCorp Variant Classification Summary - May 2015. Collection method: clinical testing. Allele origin: germline.
Comment: Variant summary: EVC2 c.1540C>T (p.Leu514Phe) results in a non-conservative amino acid change in the encoded protein sequence. Four of five in-silico tools predict a damaging effect of the variant on protein function. The variant allele was found at a frequency of 1.2e-05 in 251472 control chromosomes (gnomAD). The available data on variant occurrences in the general population are insufficient to allow any conclusion about variant significance. To our knowledge, no occurrence of c.1540C>T in individuals affected with Ellis-van Creveld syndrome and no experimental evidence demonstrating its impact on protein function have been reported. ClinVar contains an entry for this variant (Variation ID: 2935293). Based on the evidence outlined above, the variant was classified as uncertain significance.